The following is an entry in ClinVar:

ClinVar aggregate classification (germline): Uncertain significance (1 of 4 stars; one submission).

Submission:

Labcorp Genetics (formerly Invitae), Labcorp
Classification: Uncertain significance. Last evaluated: 2025-02-19. Review status: criteria provided, single submitter. Criteria: Invitae Variant Classification Sherloc (09022015). Collection method: clinical testing. Allele origin: germline.
Comment: This sequence change falls in intron 5 of the OAS1 gene. It does not directly change the encoded amino acid sequence of the OAS1 protein. It affects a nucleotide within the consensus splice site. This variant is not present in population databases (gnomAD no frequency). This variant has not been reported in the literature in individuals affected with OAS1-related conditions. ClinVar contains an entry for this variant (Variation ID: 1990503). Variants that disrupt the consensus splice site are a relatively common cause of aberrant splicing (PMID: 17576681, 9536098). Algorithms developed to predict the effect of sequence changes on RNA splicing suggest that this variant may disrupt the consensus splice site. In summary, the available evidence is currently insufficient to determine the role of this variant in disease. Therefore, it has been classified as a Variant of Uncertain Significance.

Literature cited by the submitters: PubMed 17576681; PubMed 9536098.

NM_016816.4(OAS1):c.1038+1G>T

Gene: OAS1 (2'-5'-oligoadenylate synthetase 1; plus strand). Cytogenetic location: 12q24.13.
Variant type: single nucleotide variant.
Coding change: c.1038+1G>T on transcript NM_016816.4 (MANE Select); the canonical splice donor site of the intron after coding-DNA position 1038, G replaced by T.
Molecular consequence: splice donor variant. On other transcripts: missense variant (3), non-coding transcript variant (2).
Genome position (GRCh38, 1-based): chr12:112,917,701, G>T. VCF-style: chr12-112917701-G-T. GRCh37 (hg19) VCF-style: chr12-113355506-G-T.
Other names: c.1015G>T, p.Val339Leu (NM_001406024.1); c.565G>T, p.Val189Leu (NM_001406030.1); c.1039G>T, p.Val347Leu (NM_002534.4); c.1038+1G>T (NM_001320151.2, NM_001406022.1, NM_001032409.3); c.1014+1G>T (NM_001406025.1, NM_001406023.1, NM_001406021.1 and 1 more transcripts); c.564+1G>T (NM_001406029.1, NM_001406027.1, NM_001406026.1); short protein forms V189L, V339L, V347L.
Identifiers: ClinVar variation 1990503 (VCV001990503.4), dbSNP rs1326939119, ClinGen allele CA386808422.